The following is an entry in ClinVar:

ClinVar aggregate classification (germline): Uncertain significance (1 of 4 stars; one submission).

Conditions:
Nemaline myopathy 2 (NEM2). Also called: Nemaline myopathy 2, autosomal recessive. Identifiers: MedGen C1850569, MONDO:0009725, OMIM 256030.

Allele frequency attached by ClinVar (database versions not stated): gnomAD exomes below 0.00001.

Submission:

Labcorp Genetics (formerly Invitae), Labcorp
Classification: Uncertain significance for Nemaline myopathy 2. Last evaluated: 2018-08-14. Review status: criteria provided, single submitter. Criteria: Invitae Variant Classification Sherloc (09022015). Collection method: clinical testing. Allele origin: germline.
Comment: In summary, the available evidence is currently insufficient to determine the role of this variant in disease. Therefore, it has been classified as a Variant of Uncertain Significance. Algorithms developed to predict the effect of missense changes on protein structure and function are either unavailable or do not agree on the potential impact of this missense change (SIFT: "Deleterious"; PolyPhen-2: "Not Available"; Align-GVGD: "Class C0"). This sequence change replaces threonine with isoleucine at codon 6199 of the NEB protein (p.Thr6199Ile). The threonine residue is moderately conserved and there is a moderate physicochemical difference between threonine and isoleucine. This variant is not present in population databases (ExAC no frequency). This variant has not been reported in the literature in individuals with NEB-related disease.

NM_001164508.2(NEB):c.18596C>T (p.Thr6199Ile)

Gene: NEB (nebulin; minus strand). Cytogenetic location: 2q23.3.
Variant type: single nucleotide variant.
Coding change: c.18596C>T on transcript NM_001164508.2 (MANE Select); coding-DNA position 18596, C replaced by T.
Protein change: p.Thr6199Ile; replaces threonine 6199 with isoleucine.
Molecular consequence: missense variant.
Genome position (GRCh38, 1-based): chr2:151,563,703, G>A on the plus strand (C>T on the coding strand, the complement: NEB is on the minus strand). VCF-style: chr2-151563703-G-A. GRCh37 (hg19) VCF-style: chr2-152420217-G-A.
Other names: c.18596C>T, p.Thr6199Ile (NM_001164507.2, NM_001271208.2); c.13493C>T, p.Thr4498Ile (NM_004543.5); short protein forms T6199I, T4498I.
Identifiers: ClinVar variation 654920 (VCV000654920.8), dbSNP rs1331648772, ClinGen allele CA348799956.